The following is an entry in ClinVar:

ClinVar aggregate classification (germline): Uncertain significance (1 of 4 stars; one submission).

Conditions:
Majeed syndrome (MJDS). Also called: CHRONIC RECURRENT MULTIFOCAL OSTEOMYELITIS 1, WITH CONGENITAL DYSERYTHROPOIETIC ANEMIA, WITH OR WITHOUT NEUTROPHILIC DERMATOSIS; LPIN2-Related Majeed Syndrome. Identifiers: Orphanet 77297, MedGen C1864997, MONDO:0012316, OMIM 609628.

Submission:

Labcorp Genetics (formerly Invitae), Labcorp
Classification: Uncertain significance for Majeed syndrome. Last evaluated: 2020-10-28. Review status: criteria provided, single submitter. Criteria: Invitae Variant Classification Sherloc (09022015). Collection method: clinical testing. Allele origin: germline.
Comment: This variant has not been reported in the literature in individuals with LPIN2-related conditions. In summary, the available evidence is currently insufficient to determine the role of this variant in disease. Therefore, it has been classified as a Variant of Uncertain Significance. Algorithms developed to predict the effect of missense changes on protein structure and function (SIFT, PolyPhen-2, Align-GVGD) all suggest that this variant is likely to be disruptive, but these predictions have not been confirmed by published functional studies and their clinical significance is uncertain. This variant is not present in population databases (ExAC no frequency). This sequence change replaces serine with tyrosine at codon 441 of the LPIN2 protein (p.Ser441Tyr). The serine residue is highly conserved and there is a large physicochemical difference between serine and tyrosine.

NM_001375808.2(LPIN2):c.1322C>A (p.Ser441Tyr)

Gene: LPIN2 (lipin 2; minus strand). Cytogenetic location: 18p11.31.
Variant type: single nucleotide variant.
Coding change: c.1322C>A on transcript NM_001375808.2 (MANE Select); coding-DNA position 1322, C replaced by A.
Protein change: p.Ser441Tyr; replaces serine 441 with tyrosine.
Molecular consequence: missense variant.
Genome position (GRCh38, 1-based): chr18:2,931,390, G>T on the plus strand (C>A on the coding strand, the complement: LPIN2 is on the minus strand). VCF-style: chr18-2931390-G-T. GRCh37 (hg19) VCF-style: chr18-2931388-G-T.
Other names: c.1322C>A, p.Ser441Tyr (NM_001375809.1, NM_014646.2); short protein forms S441Y.
Identifiers: ClinVar variation 1059253 (VCV001059253.9), dbSNP rs2077211393, ClinGen allele CA401704426.